The following is an entry in ClinVar:

NM_213599.3(ANO5):c.1627del (p.Met543fs)

Gene: ANO5 (anoctamin 5; plus strand). Cytogenetic location: 11p14.3.
Variant type: Deletion.
Coding change: c.1627del on transcript NM_213599.3 (MANE Select); coding-DNA position 1627, one base deleted (A; older notation c.1627delA).
Protein change: p.Met543fs; shifts the reading frame from methionine 543.
Molecular consequence: frameshift variant. On other transcripts: intron variant (3).
Genome position (GRCh38, 1-based): chr11:22,259,738, A deleted; the last of 5 consecutive A bases (chr11:22,259,734-22,259,738); deleting any one gives the same sequence. VCF-style (leftmost placement, unchanged base first): chr11-22259733-CA-C. GRCh37 (hg19) VCF-style: chr11-22281279-CA-C.
Other names: c.1624del, p.Met542fs (NM_001142649.2); c.1585del, p.Met529fs (NM_001410963.1); c.1582del, p.Met528fs (NM_001410964.1); c.1549del, p.Met517fs (NM_001441294.1); c.1546del, p.Met516fs (NM_001441295.1); c.1534del, p.Met512fs (NM_001441296.1); c.1507del, p.Met503fs (NM_001441297.1); c.1471del, p.Met491fs (NM_001441298.1); and 4 more; short protein forms M491fs, M528fs, M543fs, M503fs, M512fs, M517fs, M529fs, M542fs.
Identifiers: ClinVar variation 5007856 (VCV005007856.2).

ClinVar aggregate classification (germline): Likely pathogenic (1 of 4 stars; one submission).

Conditions:
Autosomal recessive limb-girdle muscular dystrophy type 2L (LGMDR12). Also called: Limb-girdle muscular dystrophy, type 2L; Limb-Girdle Muscular Dystrophy R12 Anoctamin-5-Related (LGMD-R12); MUSCULAR DYSTROPHY, LIMB-GIRDLE, AUTOSOMAL RECESSIVE 12. Identifiers: Orphanet 206549, MedGen C1969785, MONDO:0012652, OMIM 611307.
Gnathodiaphyseal dysplasia (GDD). Also called: OSTEOGENESIS IMPERFECTA WITH UNUSUAL SKELETAL LESIONS; GNATHODIAPHYSEAL SCLEROSIS. Identifiers: Orphanet 53697, MedGen C1833736, MONDO:0008151, OMIM 166260.
Miyoshi muscular dystrophy 3 (MMD3). Also called: Miyoshi myopathy 3; Miyoshi Muscular Dystrophy 3 (MMD3). Identifiers: Orphanet 399096, MedGen C2750076, MONDO:0013222, OMIM 613319.

Submission:

Juno Genomics, Hangzhou Juno Genomics, Inc
Classification: Likely pathogenic for Gnathodiaphyseal dysplasia; Miyoshi muscular dystrophy 3; Autosomal recessive limb-girdle muscular dystrophy type 2L. Review status: criteria provided, single submitter. Criteria: ACMG Guidelines, 2015. Collection method: clinical testing. Allele origin: germline.
Comment: Null variant in a gene where loss of function (LOF) is a known mechanism of disease.;Absent from controls (or at extremely low frequency if recessive) in Genome Aggregation Database.